The following is an entry in ClinVar:

NM_004168.4(SDHA):c.29T>C (p.Leu10Pro)

Gene: SDHA (succinate dehydrogenase complex flavoprotein subunit A; plus strand). Cytogenetic location: 5p15.33.
Variant type: single nucleotide variant.
Coding change: c.29T>C on transcript NM_004168.4 (MANE Select); coding-DNA position 29, T replaced by C.
Protein change: p.Leu10Pro; replaces leucine 10 with proline.
Molecular consequence: missense variant.
Genome position (GRCh38, 1-based): chr5:218,384, T>C. VCF-style: chr5-218384-T-C. GRCh37 (hg19) VCF-style: chr5-218499-T-C.
Other names: c.29T>C, p.Leu10Pro (NM_001294332.2, NM_001330758.2); short protein forms L10P.
Identifiers: ClinVar variation 1404521 (VCV001404521.6), dbSNP rs2126522536, ClinGen allele CA359007310.

ClinVar aggregate classification (germline): Uncertain significance (1 of 4 stars; one submission).

Conditions:
Mitochondrial complex II deficiency, nuclear type 1. Also called: SUCCINATE CoQ REDUCTASE DEFICIENCY. Identifiers: Orphanet 3208, MedGen C5700310, MONDO:0100294, OMIM 252011.
Pheochromocytoma/paraganglioma syndrome 5. Also called: Paragangliomas 5; SDHA-Related Hereditary Paraganglioma-Pheochromocytoma Syndrome. Identifiers: Orphanet 29072, MedGen C3279992, MONDO:0013602, OMIM 614165.

Submission:

Labcorp Genetics (formerly Invitae), Labcorp
Classification: Uncertain significance for Pheochromocytoma/paraganglioma syndrome 5; Mitochondrial complex II deficiency, nuclear type 1. Last evaluated: 2026-01-19. Review status: criteria provided, single submitter. Criteria: Invitae Variant Classification Sherloc (09022015). Collection method: clinical testing. Allele origin: germline.
Comment: This sequence change replaces leucine, which is neutral and non-polar, with proline, which is neutral and non-polar, at codon 10 of the SDHA protein (p.Leu10Pro). This variant is not present in population databases (gnomAD no frequency). This variant has not been reported in the literature in individuals affected with SDHA-related conditions. ClinVar contains an entry for this variant (Variation ID: 1404521). Invitae Evidence Modeling of protein sequence and biophysical properties (such as structural, functional, and spatial information, amino acid conservation, physicochemical variation, residue mobility, and thermodynamic stability) indicates that this missense variant is not expected to disrupt SDHA protein function with a negative predictive value of 95%. In summary, the available evidence is currently insufficient to determine the role of this variant in disease. Therefore, it has been classified as a Variant of Uncertain Significance.